The following is an entry in ClinVar:

NM_004006.3(DMD):c.3269A>T (p.Gln1090Leu)

Gene: DMD (dystrophin; minus strand). Cytogenetic location: Xp21.1.
Variant type: single nucleotide variant.
Coding change: c.3269A>T on transcript NM_004006.3 (MANE Select); coding-DNA position 3269, A replaced by T.
Protein change: p.Gln1090Leu; replaces glutamine 1090 with leucine.
Molecular consequence: missense variant.
Genome position (GRCh38, 1-based): chrX:32,464,593, T>A on the plus strand (A>T on the coding strand, the complement: DMD is on the minus strand). VCF-style: chrX-32464593-T-A. GRCh37 (hg19) VCF-style: chrX-32482710-T-A.
Other names: c.3245A>T, p.Gln1082Leu (NM_000109.4); c.3257A>T, p.Gln1086Leu (NM_004009.3); c.2900A>T, p.Gln967Leu (NM_004010.3); short protein forms Q1090L, Q967L, Q1082L, Q1086L.
Identifiers: ClinVar variation 195818 (VCV000195818.18), dbSNP rs747239076, ClinGen allele CA242443.

ClinVar aggregate classification (germline): Conflicting classifications of pathogenicity. Review status: criteria provided, conflicting classifications (1 of 4 stars). 6 submissions from 6 submitters: Uncertain significance (2); Likely benign (3). 1 of the submissions does not count toward it. Last evaluated 2025-10-02.

Conditions:
DMD-related disorder. Also called: DMD-related condition.
Cardiomyopathy (CMYO). Also called: Cardiomyopathies. Identifiers: Orphanet 167848, MedGen C0878544, MONDO:0004994, HP:0001638. Inheritance: Various modes of inheritance.
Duchenne muscular dystrophy (DMD). Also called: MUSCULAR DYSTROPHY, PSEUDOHYPERTROPHIC PROGRESSIVE, DUCHENNE TYPE; Duchenne Muscular Dystrophy (DMD). Identifiers: Orphanet 98896, MedGen C0013264, MONDO:0010679, OMIM 310200.
Becker muscular dystrophy (BMD). Also called: Becker Muscular Dystrophy (BMD); MUSCULAR DYSTROPHY, PSEUDOHYPERTROPHIC PROGRESSIVE, BECKER TYPE. Identifiers: Orphanet 98895, MedGen C0917713, MONDO:0010311, OMIM 300376.
Dystrophin deficiency.
Cardiovascular phenotype. Identifiers: MedGen CN230736.

Allele frequency attached by ClinVar (database versions not stated): TOPMed 0.00003; gnomAD 0.00005; gnomAD exomes 0.00005 and 0.00007; ExAC 0.00009.
gnomAD v4.1: 62 of 1,193,583 alleles (0.0052%); highest among the groups gnomAD compares: Middle Eastern, 0.14%; no homozygotes.

Submissions (6):

Labcorp Genetics (formerly Invitae), Labcorp
Classification: Likely benign for Duchenne muscular dystrophy. Last evaluated: 2025-10-02. Review status: criteria provided, single submitter. Criteria: Invitae Variant Classification Sherloc (09022015). Collection method: clinical testing. Allele origin: germline.

Women's Health and Genetics/Laboratory Corporation of America, LabCorp
Classification: Likely benign. Last evaluated: 2025-09-08. Review status: criteria provided, single submitter. Criteria: LabCorp Variant Classification Summary - May 2015. Collection method: clinical testing. Allele origin: germline.
Comment: Variant summary: DMD c.3269A>T (p.Gln1090Leu) results in a non-conservative amino acid change in the encoded protein sequence. Algorithms developed to predict the effect of missense changes on protein structure and function are either unavailable or do not agree on the potential impact of this missense change. The variant allele was found at a frequency of 7.1e-05 in 183136 control chromosomes. The observed variant frequency exceeds the estimated maximal expected allele frequency for disease-causing variants in DMD. To our knowledge, no occurrence of c.3269A>T in individuals affected with DMD-related conditions and no experimental evidence demonstrating its impact on protein function have been reported. ClinVar contains an entry for this variant (Variation ID: 195818). Based on the evidence outlined above, the variant was classified as likely benign.

Ambry Genetics
Classification: Likely benign for Cardiovascular phenotype. Last evaluated: 2024-12-13. Review status: criteria provided, single submitter. Criteria: Ambry Variant Classification Scheme 2023. Collection method: clinical testing. Allele origin: germline.

PreventionGenetics, part of Exact Sciences
Classification: Uncertain significance for DMD-related condition. Last evaluated: 2023-03-30. Review status: criteria provided, single submitter. Criteria: ACMG Guidelines, 2015. Collection method: clinical testing. Allele origin: germline.
Comment: The DMD c.3269A>T variant is predicted to result in the amino acid substitution p.Gln1090Leu. To our knowledge, this variant has not been reported in the literature. This variant is reported in 0.021% of alleles in individuals of South Asian descent in gnomAD. At this time, the clinical significance of this variant is uncertain due to the absence of conclusive functional and genetic evidence.

Eurofins Ntd Llc (ga)
Classification: Uncertain significance. Last evaluated: 2014-09-26. Review status: criteria provided, single submitter. Criteria: EGL Classification Definitions 2015. Collection method: clinical testing. Allele origin: germline. Observed: 1 variant allele, 1 homozygote.

Natera, Inc.
Classification: Likely benign for Becker muscular dystrophy; Cardiomyopathy; Duchenne muscular dystrophy; Dystrophin deficiency. Last evaluated: 2020-04-29. Review status: no assertion criteria provided. Collection method: clinical testing. Allele origin: germline. Not counted in ClinVar's aggregate classification.